The following is an entry in ClinVar:

ClinVar aggregate classification (germline): Uncertain significance (1 of 4 stars; one submission).

Allele frequency attached by ClinVar (database versions not stated): gnomAD exomes below 0.00001.
gnomAD v4.1: 1 of 1,614,020 alleles (0.000062%); highest among the groups gnomAD compares: Non-Finnish European, 0.000085%; no homozygotes.

Submission:

GeneDx
Classification: Uncertain significance. Last evaluated: 2019-07-23. Review status: criteria provided, single submitter. Criteria: GeneDx Variant Classification Process June 2021. Collection method: clinical testing. Allele origin: germline. Affected: yes.
Comment: Not observed in large population cohorts (Lek et al., 2016); The majority of missense variants in this gene are considered pathogenic (Stenson et al., 2014); In silico analysis, which includes protein predictors and evolutionary conservation, supports a deleterious effect; Has not been previously published as pathogenic or benign to our knowledge; Within extracellular domain between the S5 and S6 transmembrane segments of the fourth homologous domain

NM_001040142.2(SCN2A):c.5039C>T (p.Ser1680Phe)

Gene: SCN2A (sodium voltage-gated channel alpha subunit 2; plus strand). Cytogenetic location: 2q24.3.
Variant type: single nucleotide variant.
Coding change: c.5039C>T on transcript NM_001040142.2 (MANE Select); coding-DNA position 5039, C replaced by T.
Protein change: p.Ser1680Phe; replaces serine 1680 with phenylalanine.
Molecular consequence: missense variant.
Genome position (GRCh38, 1-based): chr2:165,388,845, C>T. VCF-style: chr2-165388845-C-T. GRCh37 (hg19) VCF-style: chr2-166245355-C-T.
Other names: c.5039C>T, p.Ser1680Phe (NM_001040143.2, NM_001371246.1, NM_001371247.1 and 1 more transcripts); short protein forms S1680F.
Identifiers: ClinVar variation 1317399 (VCV001317399.2), dbSNP rs2105402462, ClinGen allele CA349038055.
Genomic context (GRCh38, chr2:165,388,845, plus strand): 5'-TGTTTAACATCGGCCTCCTTCTTTTCCTGGTCATGTTCATCTACGCCATCTTTGGGATGT[C>T]CAATTTTGCCTATGTTAAGAGGGAAGTTGGGATCGATGACATGTTCAACTTTGAGACCTT-3'
Protein context (NP_001035232.1, residues 1670-1690): VMFIYAIFGM[Ser1680Phe]NFAYVKREVG